The following is an entry in ClinVar:

NM_001378120.1(MBD5):c.3723C>A (p.Asn1241Lys)

Gene: MBD5 (methyl-CpG binding domain protein 5; plus strand). Cytogenetic location: 2q23.1.
Variant type: single nucleotide variant.
Coding change: c.3723C>A on transcript NM_001378120.1 (MANE Select); coding-DNA position 3723, C replaced by A.
Protein change: p.Asn1241Lys; replaces asparagine 1241 with lysine.
Molecular consequence: missense variant.
Genome position (GRCh38, 1-based): chr2:148,485,920, C>A. VCF-style: chr2-148485920-C-A. GRCh37 (hg19) VCF-style: chr2-149243489-C-A.
Other names: c.3723C>A, p.Asn1241Lys (NM_001438854.1, NM_001438856.1, NM_001438857.1 and 1 more transcripts); c.3024C>A, p.Asn1008Lys (NM_001438855.1, NM_001438859.1, NM_001438860.1 and 3 more transcripts); short protein forms N1008K, N1241K.
Identifiers: ClinVar variation 4768971 (VCV004768971.1).

ClinVar aggregate classification (germline): Uncertain significance (1 of 4 stars; one submission).

Conditions:
Intellectual developmental disorder, autosomal dominant 1. Also called: MBD5 Haploinsufficiency; Intellectual disability, autosomal dominant 1. Identifiers: Orphanet 228402, MedGen C1969562, MONDO:0007974, OMIM 156200.

gnomAD v4.1: 5 of 1,613,974 alleles (0.00031%); highest among the groups gnomAD compares: African/African-American, 0.004%; no homozygotes.

Submission:

Labcorp Genetics (formerly Invitae), Labcorp
Classification: Uncertain significance for Intellectual developmental disorder, autosomal dominant 1. Last evaluated: 2026-01-19. Review status: criteria provided, single submitter. Criteria: Invitae Variant Classification Sherloc (09022015). Collection method: clinical testing. Allele origin: germline.
Comment: This sequence change replaces asparagine, which is neutral and polar, with lysine, which is basic and polar, at codon 1008 of the MBD5 protein (p.Asn1008Lys). This variant is present in population databases (no rsID available, gnomAD 0.007%). This variant has not been reported in the literature in individuals affected with MBD5-related conditions. Invitae Evidence Modeling of protein sequence and biophysical properties (such as structural, functional, and spatial information, amino acid conservation, physicochemical variation, residue mobility, and thermodynamic stability) indicates that this missense variant is not expected to disrupt MBD5 protein function with a negative predictive value of 80%. In summary, the available evidence is currently insufficient to determine the role of this variant in disease. Therefore, it has been classified as a Variant of Uncertain Significance.